The following is an entry in ClinVar:

ClinVar aggregate classification (germline): Uncertain significance (1 of 4 stars; one submission).

Allele frequency attached by ClinVar (database versions not stated): gnomAD exomes below 0.00001; TOPMed below 0.00001; gnomAD 0.00001.
gnomAD v4.1: 6 of 1,613,862 alleles (0.00037%); highest among the groups gnomAD compares: Non-Finnish European, 0.00051%; no homozygotes.

Submission:

Labcorp Genetics (formerly Invitae), Labcorp
Classification: Uncertain significance. Last evaluated: 2024-04-17. Review status: criteria provided, single submitter. Criteria: Invitae Variant Classification Sherloc (09022015). Collection method: clinical testing. Allele origin: germline.
Comment: This sequence change replaces threonine, which is neutral and polar, with alanine, which is neutral and non-polar, at codon 1463 of the VCAN protein (p.Thr1463Ala). This variant is not present in population databases (gnomAD no frequency). This variant has not been reported in the literature in individuals affected with VCAN-related conditions. An algorithm developed to predict the effect of missense changes on protein structure and function (PolyPhen-2) suggests that this variant is likely to be tolerated. In summary, the available evidence is currently insufficient to determine the role of this variant in disease. Therefore, it has been classified as a Variant of Uncertain Significance.

NM_004385.5(VCAN):c.4387A>G (p.Thr1463Ala)

Genes: VCAN (versican; plus strand), VCAN-AS1 (VCAN antisense RNA 1; minus strand). Cytogenetic location: 5q14.3.
Variant type: single nucleotide variant.
Coding change: c.4387A>G on transcript NM_004385.5 (MANE Select); coding-DNA position 4387, A replaced by G.
Protein change: p.Thr1463Ala; replaces threonine 1463 with alanine.
Molecular consequence: missense variant. On other transcripts: intron variant (2).
Genome position (GRCh38, 1-based): chr5:83,537,390, A>G. VCF-style: chr5-83537390-A-G. GRCh37 (hg19) VCF-style: chr5-82833209-A-G.
Other names: c.1426A>G, p.Thr476Ala (NM_001164097.2); c.4004-8147A>G (NM_001164098.2); c.1043-8147A>G (NM_001126336.3); short protein forms T1463A, T476A.
Identifiers: ClinVar variation 2749730 (VCV002749730.3), dbSNP rs1412384249, ClinGen allele CA360308145.